The following is an entry in ClinVar:

ClinVar aggregate classification (germline): Pathogenic (1 of 4 stars; one submission).

Conditions:
Phelan-McDermid syndrome. Also called: TELOMERIC 22q13 MONOSOMY SYNDROME; Phelan-McDermid Syndrome-SHANK3 Related; 22q13.3 deletion syndrome. Identifiers: Orphanet 48652, MedGen C1853490, MONDO:0011652, OMIM 606232.

Submission:

Human Genetics Bochum, Ruhr University Bochum
Classification: Pathogenic for Phelan-McDermid syndrome. Last evaluated: 2026-05-05. Review status: criteria provided, single submitter. Criteria: ACMG Guidelines, 2015. Collection method: clinical testing. Allele origin: germline. Affected: yes.
Comment: de novo; ACMG criteria used to clasify this variant: PVS1, PS2, PM2_SUP

NM_001372044.2(SHANK3):c.2874del (p.Glu959fs)

Gene: SHANK3 (SH3 and multiple ankyrin repeat domains 3; plus strand). Cytogenetic location: 22q13.33.
Variant type: Deletion.
Coding change: c.2874del on transcript NM_001372044.2 (MANE Select); coding-DNA position 2874, one base deleted (C; older notation c.2874delC).
Protein change: p.Glu959fs; shifts the reading frame from glutamic acid 959.
Molecular consequence: frameshift variant.
Genome position (GRCh38, 1-based): chr22:50,720,482, C deleted; the last of 3 consecutive C bases (chr22:50,720,480-50,720,482); deleting any one gives the same sequence. VCF-style (leftmost placement, unchanged base first): chr22-50720479-TC-T. GRCh37 (hg19) VCF-style: chr22-51158907-TC-T.
Other names: short protein forms E959fs.
Identifiers: ClinVar variation 4876767 (VCV004876767.1).